The following is an entry in ClinVar:

NM_003334.4(UBA1):c.1131C>G (p.Asn377Lys)

Gene: UBA1 (ubiquitin like modifier activating enzyme 1; plus strand). Cytogenetic location: Xp11.3.
Variant type: single nucleotide variant.
Coding change: c.1131C>G on transcript NM_003334.4 (MANE Select); coding-DNA position 1131, C replaced by G.
Protein change: p.Asn377Lys; replaces asparagine 377 with lysine.
Molecular consequence: missense variant.
Genome position (GRCh38, 1-based): chrX:47,202,712, C>G. VCF-style: chrX-47202712-C-G. GRCh37 (hg19) VCF-style: chrX-47062111-C-G.
Other names: c.1131C>G, p.Asn377Lys (NM_153280.3); short protein forms N377K.
Identifiers: ClinVar variation 862919 (VCV000862919.9), dbSNP rs1936465009, ClinGen allele CA412796210.

ClinVar aggregate classification (germline): Uncertain significance (1 of 4 stars; one submission).

Conditions:
Infantile-onset X-linked spinal muscular atrophy. Also called: ARTHROGRYPOSIS, X-LINKED, TYPE I; AMC, DISTAL, X-LINKED; SPINAL MUSCULAR ATROPHY, X-LINKED LETHAL INFANTILE; Spinal muscular atrophy, X-linked 2; Spinal Muscular Atrophy, X-Linked Infantile. Identifiers: Orphanet 1145, MedGen C1844934, MONDO:0010532, OMIM 301830.

Allele frequency attached by ClinVar (database versions not stated): TOPMed 0.00001.

Submission:

Labcorp Genetics (formerly Invitae), Labcorp
Classification: Uncertain significance for Infantile-onset X-linked spinal muscular atrophy. Last evaluated: 2024-02-14. Review status: criteria provided, single submitter. Criteria: Invitae Variant Classification Sherloc (09022015). Collection method: clinical testing. Allele origin: germline.
Comment: This sequence change replaces asparagine, which is neutral and polar, with lysine, which is basic and polar, at codon 377 of the UBA1 protein (p.Asn377Lys). This variant is not present in population databases (gnomAD no frequency). This variant has not been reported in the literature in individuals affected with UBA1-related conditions. ClinVar contains an entry for this variant (Variation ID: 862919). An algorithm developed to predict the effect of missense changes on protein structure and function (PolyPhen-2) suggests that this variant is likely to be tolerated. In summary, the available evidence is currently insufficient to determine the role of this variant in disease. Therefore, it has been classified as a Variant of Uncertain Significance.